The following is an entry in ClinVar:

ClinVar aggregate classification (germline): Uncertain significance. Review status: criteria provided, multiple submitters, no conflicts (2 of 4 stars). 2 submissions from 2 submitters: Uncertain significance (2). Last evaluated 2024-01-11.

Conditions:
Inborn genetic diseases. Identifiers: MedGen C0950123, MeSH D030342.
Mosaic variegated aneuploidy syndrome 1 (MVA1). Also called: Warburton-Anyane-Yeboa syndrome. Identifiers: Orphanet 1052, MedGen C1850343, MONDO:0009759, OMIM 257300.

Allele frequency attached by ClinVar (database versions not stated): gnomAD exomes below 0.00001; gnomAD 0.00001.

Submissions (2):

Ambry Genetics
Classification: Uncertain significance for Inborn genetic diseases. Last evaluated: 2024-01-11. Review status: criteria provided, single submitter. Criteria: Ambry Variant Classification Scheme 2023. Collection method: clinical testing. Allele origin: germline.
Comment: The p.V344M variant (also known as c.1030G>A), located in coding exon 8 of the BUB1B gene, results from a G to A substitution at nucleotide position 1030. The valine at codon 344 is replaced by methionine, an amino acid with highly similar properties. This amino acid position is conserved. In addition, this alteration is predicted to be tolerated by in silico analysis. Since supporting evidence is limited at this time, the clinical significance of this alteration remains unclear.

Labcorp Genetics (formerly Invitae), Labcorp
Classification: Uncertain significance for Mosaic variegated aneuploidy syndrome 1. Last evaluated: 2023-08-19. Review status: criteria provided, single submitter. Criteria: Invitae Variant Classification Sherloc (09022015). Collection method: clinical testing. Allele origin: germline.
Comment: In summary, the available evidence is currently insufficient to determine the role of this variant in disease. Therefore, it has been classified as a Variant of Uncertain Significance. An algorithm developed to predict the effect of missense changes on protein structure and function (PolyPhen-2) suggests that this variant is likely to be disruptive. ClinVar contains an entry for this variant (Variation ID: 1771085). This variant has not been reported in the literature in individuals affected with BUB1B-related conditions. This variant is present in population databases (no rsID available, gnomAD 0.01%). This sequence change replaces valine, which is neutral and non-polar, with methionine, which is neutral and non-polar, at codon 344 of the BUB1B protein (p.Val344Met).

NM_001211.6(BUB1B):c.1030G>A (p.Val344Met)

Gene: BUB1B (BUB1 mitotic checkpoint serine/threonine kinase B; plus strand). Cytogenetic location: 15q15.1.
Variant type: single nucleotide variant.
Coding change: c.1030G>A on transcript NM_001211.6 (MANE Select); coding-DNA position 1030, G replaced by A.
Protein change: p.Val344Met; replaces valine 344 with methionine.
Molecular consequence: missense variant.
Genome position (GRCh38, 1-based): chr15:40,185,614, G>A. VCF-style: chr15-40185614-G-A. GRCh37 (hg19) VCF-style: chr15-40477815-G-A.
Other names: short protein forms V344M.
Identifiers: ClinVar variation 1771085 (VCV001771085.5), dbSNP rs1438462261, ClinGen allele CA391685248.
Genomic context (GRCh38, chr15:40,185,614, plus strand): 5'-CGTGGCAATACAGCTTCACTGATAGCTGTACCCGCTGTGCTTCCCAGTTTCACTCCATAT[G>A]TGGAAGAGACTGCACGACAGCCAGTTATGTGAGTGTGGTTTTTGGATATTTTGAAGTGGG-3'
Protein context (NP_001202.5, residues 334-354): PAVLPSFTPY[Val344Met]EETARQPVMT